The following is an entry in ClinVar:

NM_000090.4(COL3A1):c.1051G>A (p.Gly351Ser)

Gene: COL3A1 (collagen type III alpha 1 chain; plus strand). Cytogenetic location: 2q32.2.
Variant type: single nucleotide variant.
Coding change: c.1051G>A on transcript NM_000090.4 (MANE Select); coding-DNA position 1051, G replaced by A.
Protein change: p.Gly351Ser; replaces glycine 351 with serine.
Molecular consequence: missense variant.
Genome position (GRCh38, 1-based): chr2:188,993,361, G>A. VCF-style: chr2-188993361-G-A. GRCh37 (hg19) VCF-style: chr2-189858087-G-A.
Other names: short protein forms G351S.
Identifiers: ClinVar variation 1067718 (VCV001067718.9), dbSNP rs2153502271, ClinGen allele CA349850760.
Genomic context (GRCh38, chr2:188,993,361, plus strand): 5'-GAAGTGGCTAAGTGAGTAGAAGTGGTAAGAGAAACTGACTACACAAGGTTTTACCATTAG[G>A]GTGAAGTTGGACCTGCAGGGTCTCCTGGTTCAAATGGTGCCCCTGGACAAAGAGGAGAAC-3'
Protein context (NP_000081.2, residues 341-361): AGFPGSPGAK[Gly351Ser]EVGPAGSPGS

ClinVar aggregate classification (germline): Likely pathogenic (1 of 4 stars; one submission).

Conditions:
Ehlers-Danlos syndrome, type 4 (EDSVASC). Also called: Ehlers-Danlos syndrome vascular type; Ehlers Danlos syndrome, ecchymotic type; Ehlers Danlos syndrome, arterial type; Ehlers Danlos syndrome, Sack-Barabas type; Ehlers-Danlos Syndrome Type IV. Identifiers: Orphanet 286, MedGen C0268338, MONDO:0017314, OMIM 130050.

Submission:

Labcorp Genetics (formerly Invitae), Labcorp
Classification: Likely pathogenic for Ehlers-Danlos syndrome, type 4. Last evaluated: 2020-10-13. Review status: criteria provided, single submitter. Criteria: Invitae Variant Classification Sherloc (09022015). Collection method: clinical testing. Allele origin: germline.
Comment: In summary, the currently available evidence indicates that the variant is pathogenic, but additional data are needed to prove that conclusively. Therefore, this variant has been classified as Likely Pathogenic. This variant disrupts the triple helix domain of COL3A1. Glycine residues within the Gly-Xaa-Yaa repeats of the triple helix domain are required for the structure and stability of fibrillar collagens (PMID: 7695699, 8218237, 19344236). In COL3A1, variants that affect these glycine residues are significantly enriched in individuals with disease (PMID: 24922459, 25758994) compared to the general population (ExAC). Algorithms developed to predict the effect of sequence changes on RNA splicing suggest that this variant may disrupt the consensus splice site, but this prediction has not been confirmed by published transcriptional studies. Algorithms developed to predict the effect of missense changes on protein structure and function are either unavailable or do not agree on the potential impact of this missense change (SIFT: "Deleterious"; PolyPhen-2: "Not Available"; Align-GVGD: "Class C0"). This variant has been observed in individual(s) with clinical features of vascular Ehlers-Danlos syndrome (Invitae). This variant is not present in population databases (ExAC no frequency). This sequence change replaces glycine with serine at codon 351 of the COL3A1 protein (p.Gly351Ser). The glycine residue is highly conserved and there is a small physicochemical difference between glycine and serine.

Literature cited by the submitters: PubMed 7695699; PubMed 8218237; PubMed 19344236; PubMed 24922459; PubMed 25758994.